The following is an entry in ClinVar:

ClinVar aggregate classification (germline): Uncertain significance (1 of 4 stars; one submission).

Submission:

Labcorp Genetics (formerly Invitae), Labcorp
Classification: Uncertain significance. Last evaluated: 2023-10-11. Review status: criteria provided, single submitter. Criteria: Invitae Variant Classification Sherloc (09022015). Collection method: clinical testing. Allele origin: germline.
Comment: This sequence change replaces serine, which is neutral and polar, with phenylalanine, which is neutral and non-polar, at codon 2288 of the KMT2A protein (p.Ser2288Phe). This variant is not present in population databases (gnomAD no frequency). This variant has not been reported in the literature in individuals affected with KMT2A-related conditions. Advanced modeling of protein sequence and biophysical properties (such as structural, functional, and spatial information, amino acid conservation, physicochemical variation, residue mobility, and thermodynamic stability) performed at Invitae indicates that this missense variant is not expected to disrupt KMT2A protein function. In summary, the available evidence is currently insufficient to determine the role of this variant in disease. Therefore, it has been classified as a Variant of Uncertain Significance.

NM_001197104.2(KMT2A):c.6863C>T (p.Ser2288Phe)

Gene: KMT2A (lysine methyltransferase 2A; plus strand). Cytogenetic location: 11q23.3.
Variant type: single nucleotide variant.
Coding change: c.6863C>T on transcript NM_001197104.2 (MANE Select); coding-DNA position 6863, C replaced by T.
Protein change: p.Ser2288Phe; replaces serine 2288 with phenylalanine.
Molecular consequence: missense variant.
Genome position (GRCh38, 1-based): chr11:118,502,755, C>T. VCF-style: chr11-118502755-C-T. GRCh37 (hg19) VCF-style: chr11-118373470-C-T.
Other names: c.6953C>T, p.Ser2318Phe (NM_001412597.1); c.6854C>T, p.Ser2285Phe (NM_005933.4); short protein forms S2288F, S2318F, S2285F.
Identifiers: ClinVar variation 2761253 (VCV002761253.3), dbSNP rs2496991835, ClinGen allele CA382803273.